The following is an entry in ClinVar:

NM_000540.3(RYR1):c.3692G>A (p.Arg1231His)

Gene: RYR1 (ryanodine receptor 1; plus strand). Cytogenetic location: 19q13.2.
Variant type: single nucleotide variant.
Coding change: c.3692G>A on transcript NM_000540.3 (MANE Select); coding-DNA position 3692, G replaced by A.
Protein change: p.Arg1231His; replaces arginine 1231 with histidine.
Molecular consequence: missense variant.
Genome position (GRCh38, 1-based): chr19:38,469,440, G>A. VCF-style: chr19-38469440-G-A. GRCh37 (hg19) VCF-style: chr19-38960080-G-A.
Other names: c.3692G>A, p.Arg1231His (NM_001042723.2); short protein forms R1231H.
Identifiers: ClinVar variation 966846 (VCV000966846.13), dbSNP rs558969466, ClinGen allele CA065095.
Genomic context (GRCh38, chr19:38,469,440, plus strand): 5'-GGTTCTTTGCCATCTGTGGCCTCCAGGAAGGCTTCGAGCCATTTGCCATCAACATGCAGC[G>A]CCCAGTCACCACCTGGTTCAGCAAAGGCCTGCCCCAGTTTGAGCCAGTGCCCCTTGAACA-3'
Protein context (NP_000531.2, residues 1221-1241): GFEPFAINMQ[Arg1231His]PVTTWFSKGL

ClinVar aggregate classification (germline): Uncertain significance. Review status: criteria provided, multiple submitters, no conflicts (2 of 4 stars). 5 submissions from 5 submitters: Uncertain significance (5). Last evaluated 2024-11-18.

Conditions:
RYR1-related disorder. Also called: RYR1-related condition; RYR1-related disorders. Identifiers: MedGen CN239331.
Malignant hyperthermia, susceptibility to, 1 (MHS1). Also called: Anesthesia related hyperthermia; Malignant hyperpyrexia; Fulminating hyperpyrexia; Pharmacogenic myopathy; Malignant hyperthermia suceptibility 1; RYR1-Related Malignant Hyperthermia Susceptibility. Identifiers: Orphanet 423, MedGen C2930980, MONDO:0007783, OMIM 145600.

Allele frequency attached by ClinVar (database versions not stated): gnomAD 0.00002 and 0.00003; gnomAD exomes 0.00002 and 0.00007; TOPMed 0.00002; ExAC 0.00007; 1000 Genomes Project 0.00020; 1000 Genomes Project 30x 0.00031.
gnomAD v4.1: 40 of 1,614,042 alleles (0.0025%); highest among the groups gnomAD compares: South Asian, 0.015%; no homozygotes.

Submissions (5):

Labcorp Genetics (formerly Invitae), Labcorp
Classification: Uncertain significance for RYR1-related disorder. Last evaluated: 2024-11-18. Review status: criteria provided, single submitter. Criteria: Invitae Variant Classification Sherloc (09022015). Collection method: clinical testing. Allele origin: germline.
Comment: This sequence change replaces arginine, which is basic and polar, with histidine, which is basic and polar, at codon 1231 of the RYR1 protein (p.Arg1231His). This variant is present in population databases (rs558969466, gnomAD 0.02%). This missense change has been observed in individual(s) with clinical features of RYR1-related conditions (internal data). ClinVar contains an entry for this variant (Variation ID: 966846). Invitae Evidence Modeling of protein sequence and biophysical properties (such as structural, functional, and spatial information, amino acid conservation, physicochemical variation, residue mobility, and thermodynamic stability) has been performed for this missense variant. However, the output from this modeling did not meet the statistical confidence thresholds required to predict the impact of this variant on RYR1 protein function. In summary, the available evidence is currently insufficient to determine the role of this variant in disease. Therefore, it has been classified as a Variant of Uncertain Significance.

Blueprint Genetics
Classification: Uncertain significance. Last evaluated: 2024-09-02. Review status: criteria provided, single submitter. Criteria: ACMG Guidelines, 2015. Collection method: clinical testing. Allele origin: germline.

All of Us Research Program, National Institutes of Health
Classification: Uncertain significance for Malignant hyperthermia, susceptibility to, 1. Last evaluated: 2024-07-29. Review status: criteria provided, single submitter. Criteria: ACMG Guidelines, 2015. Collection method: clinical testing. Allele origin: germline. Inheritance: Autosomal dominant inheritance. Observed: 9 variant alleles, 9 heterozygotes.
Comment: This missense variant replaces arginine with histidine at codon 1231 of the RYR1 protein. Computational prediction suggests that this variant may have deleterious impact on protein structure and function (internally defined REVEL score threshold >= 0.7, PMID: 27666373). To our knowledge, functional studies have not been reported for this variant. This variant has not been reported in individuals affected with RYR1-related disorders in the literature. This variant has been identified in 17/251254 chromosomes in the general population by the Genome Aggregation Database (gnomAD). The available evidence is insufficient to determine the role of this variant in disease conclusively. Therefore, this variant is classified as a Variant of Uncertain Significance.

This study involves interpretation of variants in research participants for the purpose of population health screening. Participant phenotype was not available at the time of variant classification. Additional details can be found in publication PMID: 35346344, PMCID: PMC8962531

Color Diagnostics, LLC DBA Color Health
Classification: Uncertain significance for Malignant hyperthermia, susceptibility to, 1. Last evaluated: 2024-03-06. Review status: criteria provided, single submitter. Criteria: ACMG Guidelines, 2015. Collection method: clinical testing. Allele origin: germline.
Comment: This missense variant replaces arginine with histidine at codon 1231 of the RYR1 protein. Computational prediction suggests that this variant may have deleterious impact on protein structure and function. To our knowledge, functional studies have not been reported for this variant. This variant has not been reported in individuals affected with RYR1-related disorders in the literature. This variant has been identified in 17/251254 chromosomes in the general population by the Genome Aggregation Database (gnomAD). The available evidence is insufficient to determine the role of this variant in disease conclusively. Therefore, this variant is classified as a Variant of Uncertain Significance.

Revvity Omics, Revvity
Classification: Uncertain significance. Last evaluated: 2023-05-15. Review status: criteria provided, single submitter. Criteria: ACMG Guidelines, 2015. Collection method: clinical testing. Allele origin: germline.